The following is an entry in ClinVar:

NM_001256627.2(BRSK2):c.2054C>T (p.Ala685Val)

Gene: BRSK2 (BR serine/threonine kinase 2; plus strand). Cytogenetic location: 11p15.5.
Variant type: single nucleotide variant.
Coding change: c.2054C>T on transcript NM_001256627.2 (MANE Select); coding-DNA position 2054, C replaced by T.
Protein change: p.Ala685Val; replaces alanine 685 with valine.
Molecular consequence: missense variant. On other transcripts: intron variant (14).
Genome position (GRCh38, 1-based): chr11:1,460,566, C>T. VCF-style: chr11-1460566-C-T. GRCh37 (hg19) VCF-style: chr11-1481796-C-T.
Other names: c.2144C>T, p.Ala715Val (NM_001256630.1); c.1874C>T, p.Ala625Val (NM_001440669.1); c.2420-404C>T (NM_001440665.1); c.2054-404C>T (NM_001440668.1); c.2006-404C>T (NM_001440670.1); c.2354-404C>T (NM_001440666.1); c.*10-404C>T (NM_001256629.2, NM_001282218.2); c.1988-404C>T (NM_003957.4); and 5 more; short protein forms A685V, A625V, A715V.
Identifiers: ClinVar variation 4978646 (VCV004978646.1).

ClinVar aggregate classification (germline): Likely benign (1 of 4 stars; one submission).

Conditions:
BRSK2-related disorder. Also called: BRSK2-related condition; BRSK2-Related Disorders.

gnomAD v4.1: 35 of 1,531,482 alleles (0.0023%); highest among the groups gnomAD compares: Admixed American, 0.02%; no homozygotes.

Submission:

PreventionGenetics, part of Exact Sciences
Classification: Likely benign for BRSK2-related condition. Last evaluated: 2024-12-31. Review status: criteria provided, single submitter. Criteria: ACMG Guidelines, 2015. Collection method: clinical testing. Allele origin: germline.
Comment: This variant is classified as likely benign based on ACMG/AMP sequence variant interpretation guidelines (Richards et al. 2015 PMID: 25741868, with internal and published modifications).